The following is an entry in ClinVar:

NM_138576.4(BCL11B):c.986G>A (p.Arg329His)

Gene: BCL11B (BCL11 transcription factor B; minus strand). Cytogenetic location: 14q32.2.
Variant type: single nucleotide variant.
Coding change: c.986G>A on transcript NM_138576.4 (MANE Select); coding-DNA position 986, G replaced by A.
Protein change: p.Arg329His; replaces arginine 329 with histidine.
Molecular consequence: missense variant.
Genome position (GRCh38, 1-based): chr14:99,175,850, C>T on the plus strand (G>A on the coding strand, the complement: BCL11B is on the minus strand). VCF-style: chr14-99175850-C-T. GRCh37 (hg19) VCF-style: chr14-99642187-C-T.
Other names: c.983G>A, p.Arg328His (NM_001282237.2); c.770G>A, p.Arg257His (NM_001282238.2); c.773G>A, p.Arg258His (NM_022898.3); short protein forms R329H, R257H, R328H, R258H.
Identifiers: ClinVar variation 1487840 (VCV001487840.8), dbSNP rs2139760751, ClinGen allele CA390936356.

ClinVar aggregate classification (germline): Uncertain significance (1 of 4 stars; one submission).

Allele frequency attached by ClinVar (database versions not stated): gnomAD exomes below 0.00001.
gnomAD v4.1: 1 of 1,477,990 alleles (0.000068%); highest among the groups gnomAD compares: South Asian, 0.0014%; no homozygotes.

Submission:

Labcorp Genetics (formerly Invitae), Labcorp
Classification: Uncertain significance. Last evaluated: 2025-10-21. Review status: criteria provided, single submitter. Criteria: Invitae Variant Classification Sherloc (09022015). Collection method: clinical testing. Allele origin: germline.
Comment: This sequence change replaces arginine, which is basic and polar, with histidine, which is basic and polar, at codon 329 of the BCL11B protein (p.Arg329His). This variant is not present in population databases (gnomAD no frequency). This variant has not been reported in the literature in individuals affected with BCL11B-related conditions. ClinVar contains an entry for this variant (Variation ID: 1487840). Invitae Evidence Modeling of protein sequence and biophysical properties (such as structural, functional, and spatial information, amino acid conservation, physicochemical variation, residue mobility, and thermodynamic stability) has been performed for this missense variant. However, the output from this modeling did not meet the statistical confidence thresholds required to predict the impact of this variant on BCL11B protein function. In summary, the available evidence is currently insufficient to determine the role of this variant in disease. Therefore, it has been classified as a Variant of Uncertain Significance.